The following is an entry in ClinVar:

NM_000059.4(BRCA2):c.67+16A>G

Gene: BRCA2 (BRCA2 DNA repair associated; plus strand). Cytogenetic location: 13q13.1.
Variant type: single nucleotide variant.
Coding change: c.67+16A>G on transcript NM_000059.4 (MANE Select); 16 bases into the intron after coding-DNA position 67, A replaced by G.
Molecular consequence: intron variant.
Genome position (GRCh38, 1-based): chr13:32,316,543, A>G. VCF-style: chr13-32316543-A-G. GRCh37 (hg19) VCF-style: chr13-32890680-A-G.
Identifiers: ClinVar variation 220440 (VCV000220440.32), dbSNP rs529148674, ClinGen allele CA348677.

ClinVar aggregate classification (germline): Benign/Likely benign. Review status: criteria provided, multiple submitters, no conflicts (2 of 4 stars). 6 submissions from 6 submitters: Benign (2); Likely benign (4). Last evaluated 2026-02-02.

Conditions:
Hereditary cancer-predisposing syndrome. Also called: Hereditary neoplastic syndrome; Tumor predisposition; Hereditary Cancer Syndrome; Neoplastic Syndromes, Hereditary. Identifiers: Orphanet 140162, MedGen C0027672, MeSH D009386, MONDO:0015356.
Hereditary breast ovarian cancer syndrome. Also called: BRCA1- and BRCA2-Associated Hereditary Breast and Ovarian Cancer; Hereditary breast and ovarian cancer syndrome (HBOC); Hereditary breast and/or ovarian cancer syndrome; Hereditary breast and ovarian cancer syndrome; Hereditary breast and ovarian cancer; Breast and ovarian cancer. Identifiers: Orphanet 145, MedGen C0677776, MeSH D061325, MONDO:0003582. Disease mechanism: loss of function.
Familial cancer of breast. Also called: hereditary breast carcinoma; Hereditary breast cancer; BREAST CANCER, FAMILIAL. Identifiers: Orphanet 227535, MedGen C0346153, MONDO:0016419, OMIM 114480. Disease mechanism: loss of function.

Allele frequency attached by ClinVar (database versions not stated): ExAC 0.00017; 1000 Genomes Project 0.00040; 1000 Genomes Project 30x 0.00078.
gnomAD v4.1: 91 of 1,601,496 alleles (0.0057%); highest among the groups gnomAD compares: South Asian, 0.098%; no homozygotes.

Submissions (6):

Labcorp Genetics (formerly Invitae), Labcorp
Classification: Benign for Hereditary breast ovarian cancer syndrome. Last evaluated: 2026-02-02. Review status: criteria provided, single submitter. Criteria: Invitae Variant Classification Sherloc (09022015). Collection method: clinical testing. Allele origin: germline.

KCCC/NGS Laboratory, Kuwait Cancer Control Center
Classification: Benign for Familial cancer of breast. Last evaluated: 2025-02-01. Review status: criteria provided, single submitter. Criteria: ACMG Guidelines, 2015. Collection method: clinical testing. Allele origin: germline. Affected: no.

National Health Laboratory Service, Universitas Academic Hospital and University of the Free State
Classification: Likely benign for Hereditary breast ovarian cancer syndrome. Last evaluated: 2021-11-16. Review status: criteria provided, single submitter. Criteria: ACMG Guidelines, 2015. Collection method: clinical testing. Allele origin: germline. Affected: yes. Observed: 1 variant allele.

Color Diagnostics, LLC DBA Color Health
Classification: Likely benign for Hereditary cancer-predisposing syndrome. Last evaluated: 2017-02-28. Review status: criteria provided, single submitter. Criteria: ACMG Guidelines, 2015. Collection method: clinical testing. Allele origin: germline.

GeneDx
Classification: Likely benign. Last evaluated: 2016-12-20. Review status: criteria provided, single submitter. Criteria: GeneDx Variant Classification (06012015). Collection method: clinical testing. Allele origin: germline. Affected: yes.
Comment: This variant is considered likely benign or benign based on one or more of the following criteria: it is a conservative change, it occurs at a poorly conserved position in the protein, it is predicted to be benign by multiple in silico algorithms, and/or has population frequency not consistent with disease.

Women's Health and Genetics/Laboratory Corporation of America, LabCorp
Classification: Likely benign for Hereditary breast ovarian cancer syndrome. Last evaluated: 2016-04-15. Review status: criteria provided, single submitter. Criteria: LabCorp Variant Classification Summary - May 2015. Collection method: clinical testing. Allele origin: germline.
Comment: Variant summary: The c.67+16A>G variant affects a non-conserved intronic nucleotide. Mutation taster predicts benign outcome for this variant. 5/5 programs in Alamut predict that this variant does not affect normal splicing. This variant is found in 18/105310 control chromosomes at a frequency of 0.0001709, predominantly found in South Asian subpopulation with observed MAF of 0.00125, which exceeds the maximal expected frequency of a pathogenic allele (0.0007503), suggesting this variant is likely a benign polymorphism primarily found in the South Asian population. The variant of interest has not, to our knowledge, been reported in affected individuals via publications; nor evaluated for functional impact by in vivo/vitro studies. One clinical lab via ClinVar classified this variant as "benign"Â, without evidence to independently evaluate. Considering all, the variant was classified as likely benign until additional information becomes available.

Literature cited by the submitters: DOI 10.3389/fgene.2022.834265 (cited by National Health Laboratory Service, Universitas Academic Hospital and University of the Free State).